The following is an entry in ClinVar:

ClinVar aggregate classification (germline): Uncertain significance (1 of 4 stars; one submission).

Conditions:
Hereditary cancer-predisposing syndrome. Also called: Neoplastic Syndromes, Hereditary; Tumor predisposition; Hereditary Cancer Syndrome; Hereditary neoplastic syndrome. Identifiers: Orphanet 140162, MedGen C0027672, MeSH D009386, MONDO:0015356.

Submission:

Ambry Genetics
Classification: Uncertain significance for Hereditary cancer-predisposing syndrome. Last evaluated: 2024-08-07. Review status: criteria provided, single submitter. Criteria: Ambry Variant Classification Scheme 2023. Collection method: clinical testing. Allele origin: germline.
Comment: The p.M118I variant (also known as c.354G>T), located in coding exon 2 of the RAD51C gene, results from a G to T substitution at nucleotide position 354. The methionine at codon 118 is replaced by isoleucine, an amino acid with highly similar properties. This amino acid position is poorly conserved in available vertebrate species. In addition, this alteration is predicted to be tolerated by in silico analysis. Based on the available evidence, the clinical significance of this variant remains unclear.

NM_058216.3(RAD51C):c.354G>T (p.Met118Ile)

Gene: RAD51C (RAD51 paralog C; plus strand). Cytogenetic location: 17q22.
Variant type: single nucleotide variant.
Coding change: c.354G>T on transcript NM_058216.3 (MANE Select); coding-DNA position 354, G replaced by T.
Protein change: p.Met118Ile; replaces methionine 118 with isoleucine.
Molecular consequence: missense variant. On other transcripts: non-coding transcript variant (2).
Genome position (GRCh38, 1-based): chr17:58,695,139, G>T. VCF-style: chr17-58695139-G-T. GRCh37 (hg19) VCF-style: chr17-56772500-G-T.
Other names: c.354G>T, p.Met118Ile (NM_002876.4); short protein forms M118I.
Identifiers: ClinVar variation 3429706 (VCV003429706.1).